The following is an entry in ClinVar:

NM_015915.5(ATL1):c.1105A>C (p.Lys369Gln)

Gene: ATL1 (atlastin GTPase 1; plus strand). Cytogenetic location: 14q22.1.
Variant type: single nucleotide variant.
Coding change: c.1105A>C on transcript NM_015915.5 (MANE Select); coding-DNA position 1105, A replaced by C.
Protein change: p.Lys369Gln; replaces lysine 369 with glutamine.
Molecular consequence: missense variant.
Genome position (GRCh38, 1-based): chr14:50,623,234, A>C. VCF-style: chr14-50623234-A-C. GRCh37 (hg19) VCF-style: chr14-51089952-A-C.
Other names: c.1105A>C, p.Lys369Gln (NM_001127713.1, NM_181598.4); short protein forms K369Q.
Identifiers: ClinVar variation 391817 (VCV000391817.5), dbSNP rs1057524242, ClinGen allele CA16607654.

ClinVar aggregate classification (germline): Uncertain significance. Review status: criteria provided, multiple submitters, no conflicts (2 of 4 stars). 3 submissions from 3 submitters: Uncertain significance (3). Last evaluated 2025-07-21.

Conditions:
Inborn genetic diseases. Identifiers: MedGen C0950123, MeSH D030342.
Hereditary spastic paraplegia 3A (SPG3A). Also called: Spastic Paraplegia 3A; Spastic paraplegia 3A, autosomal dominant; SPASTIC PARAPLEGIA 3, AUTOSOMAL DOMINANT; FAMILIAL SPASTIC PARAPLEGIA, AUTOSOMAL DOMINANT, 1; SPG3; STRUMPELL DISEASE. Identifiers: Orphanet 100984, MedGen C2931355, MONDO:0008437, OMIM 182600.

Allele frequency attached by ClinVar (database versions not stated): gnomAD exomes below 0.00001; gnomAD 0.00001.
gnomAD v4.1: 6 of 1,611,754 alleles (0.00037%); highest among the groups gnomAD compares: Non-Finnish European, 0.00051%; no homozygotes.

Submissions (3):

Labcorp Genetics (formerly Invitae), Labcorp
Classification: Uncertain significance for Hereditary spastic paraplegia 3A. Last evaluated: 2025-07-21. Review status: criteria provided, single submitter. Criteria: Invitae Variant Classification Sherloc (09022015). Collection method: clinical testing. Allele origin: germline.
Comment: This sequence change replaces lysine, which is basic and polar, with glutamine, which is neutral and polar, at codon 369 of the ATL1 protein (p.Lys369Gln). This variant is not present in population databases (gnomAD no frequency). This variant has not been reported in the literature in individuals affected with ATL1-related conditions. ClinVar contains an entry for this variant (Variation ID: 391817). Invitae Evidence Modeling of protein sequence and biophysical properties (such as structural, functional, and spatial information, amino acid conservation, physicochemical variation, residue mobility, and thermodynamic stability) has been performed for this missense variant. However, the output from this modeling did not meet the statistical confidence thresholds required to predict the impact of this variant on ATL1 protein function. In summary, the available evidence is currently insufficient to determine the role of this variant in disease. Therefore, it has been classified as a Variant of Uncertain Significance.

Ambry Genetics
Classification: Uncertain significance for Inborn genetic diseases. Last evaluated: 2021-03-31. Review status: criteria provided, single submitter. Criteria: Ambry Variant Classification Scheme 2023. Collection method: clinical testing. Allele origin: germline.
Comment: The p.K369Q variant (also known as c.1105A>C), located in coding exon 11 of the ATL1 gene, results from an A to C substitution at nucleotide position 1105. The lysine at codon 369 is replaced by glutamine, an amino acid with similar properties. This amino acid position is well conserved in available vertebrate species. In addition, the in silico prediction for this alteration is inconclusive. Since supporting evidence is limited at this time, the clinical significance of this alteration remains unclear.

GeneDx
Classification: Uncertain significance. Last evaluated: 2016-12-16. Review status: criteria provided, single submitter. Criteria: GeneDx Variant Classification (06012015). Collection method: clinical testing. Allele origin: germline. Affected: yes.
Comment: The K369Q variant in the ATL1 gene has not been reported previously as a pathogenic variant, nor as a benign variant, to our knowledge. The K369Q variant was not observed in approximately 6,500 individuals of European and African American ancestry in the NHLBI Exome Sequencing Project, indicating it is not a common benign variant in these populations. The K369Q variant is a semi-conservative amino acid substitution, which may impact secondary protein structure as these residues differ in some properties. This substitution occurs at a position where amino acids with similar properties to Lysine are tolerated across species. In silico analysis is inconsistent in its predictions as to whether or not the variant is damaging to the protein structure/function. We interpret K369Q as a variant of uncertain significance.